The following is an entry in ClinVar:

ClinVar aggregate classification (germline): Likely benign (0 of 4 stars; one submission).

Conditions:
CLPTM1-related disorder. Also called: CLPTM1-related condition.

Allele frequency attached by ClinVar (database versions not stated): TOPMed 0.00026; gnomAD 0.00033; gnomAD exomes 0.00055.
gnomAD v4.1: 700 of 1,340,912 alleles (0.052%); highest among the groups gnomAD compares: Non-Finnish European, 0.064%; no homozygotes.

Submission:

PreventionGenetics, part of Exact Sciences
Classification: Likely benign for CLPTM1-related condition. Last evaluated: 2023-04-24. Review status: no assertion criteria provided. Collection method: clinical testing. Allele origin: germline.
Comment: This variant is classified as likely benign based on ACMG/AMP sequence variant interpretation guidelines (Richards et al. 2015 PMID: 25741868, with internal and published modifications).

NM_001294.4(CLPTM1):c.6G>A (p.Ala2=)

Genes: CLPTM1 (CLPTM1 regulator of GABA type A receptor forward trafficking; plus strand), LOC130064657 (ATAC-STARR-seq lymphoblastoid silent region 10745; plus strand). Cytogenetic location: 19q13.32.
Variant type: single nucleotide variant.
Coding change: c.6G>A on transcript NM_001294.4 (MANE Select); coding-DNA position 6, G replaced by A.
Protein change: p.Ala2=; no amino-acid change (alanine 2 retained).
Molecular consequence: synonymous variant. On other transcripts: intron variant (2).
Genome position (GRCh38, 1-based): chr19:44,955,401, G>A. VCF-style: chr19-44955401-G-A. GRCh37 (hg19) VCF-style: chr19-45458658-G-A.
Other names: c.-235+700G>A (NM_001282176.2); c.30+316G>A (NM_001282175.2).
Identifiers: ClinVar variation 3048348 (VCV003048348.2), dbSNP rs1018549786, ClinGen allele CA308881801.